The following is an entry in ClinVar:

ClinVar aggregate classification (germline): Likely benign. Review status: criteria provided, multiple submitters, no conflicts (2 of 4 stars). 3 submissions from 3 submitters: Likely benign (3). Last evaluated 2026-05-17.

Conditions:
Bardet-Biedl syndrome (BBS). Identifiers: Orphanet 110, MedGen C0752166, MONDO:0015229.
BBS2-related disorder. Also called: BBS2-related condition; BBS2-related disorders. Identifiers: MedGen CN239228.

gnomAD v4.1: 5 of 1,614,156 alleles (0.00031%); highest among the groups gnomAD compares: Admixed American, 0.0033%; no homozygotes.

Submissions (3):

PreventionGenetics, part of Exact Sciences
Classification: Likely benign for BBS2-related condition. Last evaluated: 2026-05-17. Review status: criteria provided, single submitter. Criteria: ACMG Guidelines, 2015. Collection method: clinical testing. Allele origin: germline.
Comment: This variant is classified as likely benign based on ACMG/AMP sequence variant interpretation guidelines (Richards et al. 2015 PMID: 25741868, with internal and published modifications).

Blueprint Genetics
Classification: Likely benign. Last evaluated: 2024-07-11. Review status: criteria provided, single submitter. Criteria: ACMG Guidelines, 2015. Collection method: clinical testing. Allele origin: germline.

Labcorp Genetics (formerly Invitae), Labcorp
Classification: Likely benign for Bardet-Biedl syndrome. Last evaluated: 2023-07-16. Review status: criteria provided, single submitter. Criteria: Invitae Variant Classification Sherloc (09022015). Collection method: clinical testing. Allele origin: germline.

NM_031885.5(BBS2):c.1099C>T (p.Leu367=)

Gene: BBS2 (Bardet-Biedl syndrome 2; minus strand). Cytogenetic location: 16q13.
Variant type: single nucleotide variant.
Coding change: c.1099C>T on transcript NM_031885.5 (MANE Select); coding-DNA position 1099, C replaced by T.
Protein change: p.Leu367=; no amino-acid change (leucine 367 retained).
Molecular consequence: synonymous variant. On other transcripts: non-coding transcript variant (5).
Genome position (GRCh38, 1-based): chr16:56,501,479, G>A on the plus strand (C>T on the coding strand, the complement: BBS2 is on the minus strand). VCF-style: chr16-56501479-G-A. GRCh37 (hg19) VCF-style: chr16-56535391-G-A.
Other names: c.1099C>T, p.Leu367= (NM_001377456.1); c.1099C>T (NM_031885.3).
Identifiers: ClinVar variation 1585814 (VCV001585814.10), dbSNP rs1245174214, ClinGen allele CA495587118.
Genomic context (GRCh38, chr16:56,501,479, plus strand): 5'-GCGTGGTGTGGAGCCTGGTATTGGCTGGGATTATGCCCCGATGCCCATCAGCCTCGTTCA[G>A]TGGACTGGCCAATTCAGCCTGCAAAACACCCCACCCATTTCCTACTCAGTCACCAAAACA-3'
Protein context (NP_114091.4, residues 357-377): ENAKAELASP[Leu367=]NEADGHRGII